The following is an entry in ClinVar:

NM_001164508.2(NEB):c.11686G>C (p.Ala3896Pro)

Gene: NEB (nebulin; minus strand). Cytogenetic location: 2q23.3.
Variant type: single nucleotide variant.
Coding change: c.11686G>C on transcript NM_001164508.2 (MANE Select); coding-DNA position 11686, G replaced by C.
Protein change: p.Ala3896Pro; replaces alanine 3896 with proline.
Molecular consequence: missense variant.
Genome position (GRCh38, 1-based): chr2:151,612,305, C>G on the plus strand (G>C on the coding strand, the complement: NEB is on the minus strand). VCF-style: chr2-151612305-C-G. GRCh37 (hg19) VCF-style: chr2-152468819-C-G.
Other names: c.11686G>C, p.Ala3896Pro (NM_001164507.2, NM_001271208.2); c.10957G>C, p.Ala3653Pro (NM_004543.5); short protein forms A3653P, A3896P.
Identifiers: ClinVar variation 1719254 (VCV001719254.3), dbSNP rs2552229033, ClinGen allele CA348780342.

ClinVar aggregate classification (germline): Uncertain significance (1 of 4 stars; one submission).

Conditions:
Nemaline myopathy 2 (NEM2). Also called: Nemaline myopathy 2, autosomal recessive. Identifiers: MedGen C1850569, MONDO:0009725, OMIM 256030.

gnomAD v4.1: 1 of 1,613,888 alleles (0.000062%); highest among the groups gnomAD compares: Non-Finnish European, 0.000085%; no homozygotes.

Submission:

Labcorp Genetics (formerly Invitae), Labcorp
Classification: Uncertain significance for Nemaline myopathy 2. Last evaluated: 2022-09-11. Review status: criteria provided, single submitter. Criteria: Invitae Variant Classification Sherloc (09022015). Collection method: clinical testing. Allele origin: germline.
Comment: This sequence change replaces alanine, which is neutral and non-polar, with proline, which is neutral and non-polar, at codon 3896 of the NEB protein (p.Ala3896Pro). This variant is not present in population databases (gnomAD no frequency). This variant has not been reported in the literature in individuals affected with NEB-related conditions. Algorithms developed to predict the effect of missense changes on protein structure and function are either unavailable or do not agree on the potential impact of this missense change (SIFT: "Deleterious"; PolyPhen-2: "Not Available"; Align-GVGD: "Class C0"). In summary, the available evidence is currently insufficient to determine the role of this variant in disease. Therefore, it has been classified as a Variant of Uncertain Significance.